The following is an entry in ClinVar:

ClinVar aggregate classification (germline): Uncertain significance (1 of 4 stars; one submission).

Conditions:
Hereditary cancer-predisposing syndrome. Also called: Neoplastic Syndromes, Hereditary; Tumor predisposition; Hereditary Cancer Syndrome; Hereditary neoplastic syndrome. Identifiers: Orphanet 140162, MedGen C0027672, MeSH D009386, MONDO:0015356.

Submission:

Ambry Genetics
Classification: Uncertain significance for Hereditary cancer-predisposing syndrome. Last evaluated: 2026-05-26. Review status: criteria provided, single submitter. Criteria: Ambry Variant Classification Scheme 2023. Collection method: clinical testing. Allele origin: germline.
Comment: The c.1239A>G variant (also known as p.R413R), located in coding exon 11 of the TSC2 gene, results from an A to G substitution at nucleotide position 1239. This nucleotide substitution does not change the arginine at codon 413. This nucleotide position is not well conserved in available vertebrate species. In silico splice site analysis predicts that this alteration will result in the creation or strengthening of a novel splice donor site. RNA studies have demonstrated that this variant results in an incomplete splice defect; the clinical impact of this abnormal splicing is unknown at this time (Ambry internal data). Based on the available evidence, the clinical significance of this variant remains unclear.

NM_000548.5(TSC2):c.1239A>G (p.Arg413=)

Gene: TSC2 (TSC complex subunit 2; plus strand). Cytogenetic location: 16p13.3.
Variant type: single nucleotide variant.
Coding change: c.1239A>G on transcript NM_000548.5 (MANE Select); coding-DNA position 1239, A replaced by G.
Protein change: p.Arg413=; no amino-acid change (arginine 413 retained).
Molecular consequence: synonymous variant. On other transcripts: 5 prime UTR variant (10), non-coding transcript variant (5).
Genome position (GRCh38, 1-based): chr16:2,061,990, A>G. VCF-style: chr16-2061990-A-G. GRCh37 (hg19) VCF-style: chr16-2111991-A-G.
Other names: c.1128A>G, p.Arg376= (NM_001406678.1, NM_001318827.2, NM_001406670.1); c.1092A>G, p.Arg364= (NM_001406679.1, NM_001318829.2, NM_001406675.1 and 1 more transcripts); c.639A>G, p.Arg213= (NM_001406680.1, NM_001406682.1, NM_001406683.1 and 6 more transcripts); c.777A>G, p.Arg259= (NM_001406681.1); c.-106A>G (NM_001406689.1, NM_001406690.1, NM_001406691.1 and 4 more transcripts); c.-74A>G (NM_001406694.1, NM_001406695.1); c.-282A>G (NM_001406698.1); c.1239A>G, p.Arg413= (NM_021055.3, NM_001077183.3, NM_001114382.3 and 6 more transcripts); and 4 more.
Identifiers: ClinVar variation 4866117 (VCV004866117.1).